The following is an entry in ClinVar:

NM_004612.4(TGFBR1):c.397C>G (p.Pro133Ala)

Gene: TGFBR1 (transforming growth factor beta receptor 1; plus strand). Cytogenetic location: 9q22.33.
Variant type: single nucleotide variant.
Coding change: c.397C>G on transcript NM_004612.4 (MANE Select); coding-DNA position 397, C replaced by G.
Protein change: p.Pro133Ala; replaces proline 133 with alanine.
Molecular consequence: missense variant. On other transcripts: non-coding transcript variant (4), intron variant (3).
Genome position (GRCh38, 1-based): chr9:99,132,562, C>G. VCF-style: chr9-99132562-C-G. GRCh37 (hg19) VCF-style: chr9-101894844-C-G.
Other names: c.409C>G, p.Pro137Ala (NM_001306210.2, NM_001407416.1); c.397C>G, p.Pro133Ala (NM_001407417.1, NM_001407435.1); c.202C>G, p.Pro68Ala (NM_001407418.1, NM_001407419.1, NM_001407420.1 and 1 more transcripts); c.190C>G, p.Pro64Ala (NM_001407423.1, NM_001407424.1, NM_001407425.1 and 8 more transcripts); c.151C>G, p.Pro51Ala (NM_001407436.1); c.343+3462C>G (NM_001130916.3); c.98-5297C>G (NM_001407438.1); c.98-9974C>G (NM_001407437.1); short protein forms P133A, P137A, P51A, P64A, P68A.
Identifiers: ClinVar variation 3363511 (VCV003363511.2).

ClinVar aggregate classification (germline): Uncertain significance. Review status: criteria provided, multiple submitters, no conflicts (2 of 4 stars). 2 submissions from 2 submitters: Uncertain significance (2). Last evaluated 2024-11-03.

Conditions:
Loeys-Dietz syndrome 1 (LDS1). Also called: AORTIC ANEURYSM, FAMILIAL THORACIC 5; FURLONG SYNDROME; TGFBR1-Related Loeys-Dietz Syndrome. Identifiers: Orphanet 60030, MedGen C4551955, MONDO:0012212, OMIM 609192.

gnomAD v4.1: 1 of 1,614,144 alleles (0.000062%); highest among the groups gnomAD compares: East Asian, 0.0022%; no homozygotes.

Submissions (2):

Revvity Omics, Revvity
Classification: Uncertain significance for Loeys-Dietz syndrome 1. Last evaluated: 2024-11-03. Review status: criteria provided, single submitter. Criteria: ACMG Guidelines, 2015. Collection method: clinical testing. Allele origin: germline.

GeneDx
Classification: Uncertain significance. Last evaluated: 2023-10-24. Review status: criteria provided, single submitter. Criteria: GeneDx Variant Classification Process June 2021. Collection method: clinical testing. Allele origin: germline. Affected: yes.
Comment: Not observed at significant frequency in large population cohorts (gnomAD); In silico analysis supports that this missense variant has a deleterious effect on protein structure/function; Has not been previously published as pathogenic or benign to our knowledge